The following is an entry in ClinVar:

ClinVar aggregate classification (germline): Conflicting classifications of pathogenicity. Review status: criteria provided, conflicting classifications (1 of 4 stars). 4 submissions from 4 submitters: Uncertain significance (1); Likely benign (2). 1 of the submissions does not count toward it. Last evaluated 2025-10-02.

Conditions:
EP300-related disorder. Also called: EP300-related disorders; EP300-related condition.
Rubinstein-Taybi syndrome due to EP300 haploinsufficiency. Also called: EP300-Related Rubinstein-Taybi Syndrome; RUBINSTEIN-TAYBI SYNDROME 2. Identifiers: Orphanet 353284, Orphanet 783, MedGen C3150941, MONDO:0013364, OMIM 613684.

Allele frequency attached by ClinVar (database versions not stated): 1000 Genomes Project 0.00020; gnomAD 0.00005 and 0.00004; gnomAD exomes 0.00003 and 0.00002; ExAC 0.00005; ESP Exome Variant Server 0.00008; 1000 Genomes Project 30x 0.00016; TOPMed 0.00007.
gnomAD v4.1: 44 of 1,614,080 alleles (0.0027%); highest among the groups gnomAD compares: Middle Eastern, 0.016%; no homozygotes.

Submissions (4):

Labcorp Genetics (formerly Invitae), Labcorp
Classification: Likely benign for Rubinstein-Taybi syndrome due to EP300 haploinsufficiency. Last evaluated: 2025-10-02. Review status: criteria provided, single submitter. Criteria: Invitae Variant Classification Sherloc (09022015). Collection method: clinical testing. Allele origin: germline.

Blueprint Genetics
Classification: Likely benign. Last evaluated: 2022-09-21. Review status: criteria provided, single submitter. Criteria: ACMG Guidelines, 2015. Collection method: clinical testing. Allele origin: germline.

Eurofins Ntd Llc (ga)
Classification: Uncertain significance. Last evaluated: 2013-07-23. Review status: criteria provided, single submitter. Criteria: EGL Classification Definitions 2015. Collection method: clinical testing. Allele origin: germline. Observed: 1 variant allele, 1 heterozygote.

PreventionGenetics, part of Exact Sciences
Classification: Likely benign for EP300-related condition. Last evaluated: 2024-02-10. Review status: no assertion criteria provided. Collection method: clinical testing. Allele origin: germline. Not counted in ClinVar's aggregate classification.
Comment: This variant is classified as likely benign based on ACMG/AMP sequence variant interpretation guidelines (Richards et al. 2015 PMID: 25741868, with internal and published modifications).

NM_001429.4(EP300):c.2419A>G (p.Ile807Val)

Gene: EP300 (EP300 lysine acetyltransferase; plus strand). Cytogenetic location: 22q13.2.
Variant type: single nucleotide variant.
Coding change: c.2419A>G on transcript NM_001429.4 (MANE Select); coding-DNA position 2419, A replaced by G.
Protein change: p.Ile807Val; replaces isoleucine 807 with valine.
Molecular consequence: missense variant.
Genome position (GRCh38, 1-based): chr22:41,149,800, A>G. VCF-style: chr22-41149800-A-G. GRCh37 (hg19) VCF-style: chr22-41545804-A-G.
Other names: c.2341A>G, p.Ile781Val (NM_001362843.2); short protein forms I807V, I781V.
Identifiers: ClinVar variation 93734 (VCV000093734.12), dbSNP rs201054979, ClinGen allele CA221692.
Genomic context (GRCh38, chr22:41,149,800, plus strand): 5'-TTATGTTTTTTATTTTAACAGGCACAAATGTCTAGTTCTTCCTGCCCGGTGAACTCTCCT[A>G]TAATGCCTCCAGGGTCTCAGGGGAGCCACATTCACTGTCCCCAGCTTCCTCAACCAGCTC-3'
Protein context (NP_001420.2, residues 797-817): SSSSCPVNSP[Ile807Val]MPPGSQGSHI